The following is an entry in ClinVar:

ClinVar aggregate classification (germline): Uncertain significance (1 of 4 stars; one submission).

Submission:

Labcorp Genetics (formerly Invitae), Labcorp
Classification: Uncertain significance. Last evaluated: 2022-06-27. Review status: criteria provided, single submitter. Criteria: Invitae Variant Classification Sherloc (09022015). Collection method: clinical testing. Allele origin: germline.
Comment: In summary, the available evidence is currently insufficient to determine the role of this variant in disease. Therefore, it has been classified as a Variant of Uncertain Significance. Experimental studies and prediction algorithms are not available or were not evaluated, and the functional significance of this variant is currently unknown. This variant has not been reported in the literature in individuals affected with P4HB-related conditions. This variant is a gross deletion of the genomic region encompassing exon(s) 5-11 of the P4HB gene, which includes the termination codon. This deletion extends beyond the assayed region for this gene and therefore may encompass additional genes. While this deletion is not anticipated to lead to nonsense mediated decay, it is expected to alter mRNA translation or result in a truncated protein product.

NC_000017.10:g.(?_79801888)_(79805243_?)del

Gene: P4HB (prolyl 4-hydroxylase subunit beta; minus strand). Cytogenetic location: 17q25.3.
Variant type: Deletion.
Identifiers: ClinVar variation 1442696 (VCV001442696.5).